The following is an entry in ClinVar:

ClinVar aggregate classification (germline): Likely benign. Review status: criteria provided, multiple submitters, no conflicts (2 of 4 stars). 3 submissions from 3 submitters: Likely benign (3). Last evaluated 2025-12-30.

Conditions:
KLF1-related disorder. Also called: KLF1-Related Disorders; KLF1-related condition.

Allele frequency attached by ClinVar (database versions not stated): ESP Exome Variant Server 0.00008; gnomAD 0.00013 and 0.00014; gnomAD exomes 0.00016 and 0.00075; TOPMed 0.00029; ExAC 0.00057.

Submissions (3):

Labcorp Genetics (formerly Invitae), Labcorp
Classification: Likely benign. Last evaluated: 2025-12-30. Review status: criteria provided, single submitter. Criteria: Invitae Variant Classification Sherloc (09022015). Collection method: clinical testing. Allele origin: germline.

Mayo Clinic Laboratories, Mayo Clinic
Classification: Likely benign. Last evaluated: 2025-04-08. Review status: criteria provided, single submitter. Criteria: ACMG Guidelines, 2015. Collection method: clinical testing. Allele origin: germline. Observed: 1 variant allele.
Comment: BS2, BP4_moderate

PreventionGenetics, part of Exact Sciences
Classification: Likely benign for KLF1-related condition. Last evaluated: 2025-01-28. Review status: criteria provided, single submitter. Criteria: ACMG Guidelines, 2015. Collection method: clinical testing. Allele origin: germline.
Comment: This variant is classified as likely benign based on ACMG/AMP sequence variant interpretation guidelines (Richards et al. 2015 PMID: 25741868, with internal and published modifications).

NM_006563.5(KLF1):c.19G>A (p.Ala7Thr)

Genes: KLF1 (KLF transcription factor 1; minus strand), LOC117125592 (CRISPRi-FlowFISH-validated CALR, DHPS, JUNB, PRDX2, RAD23A, RNASEH2A and WDR83OS regulatory element; plus strand). Cytogenetic location: 19p13.13.
Variant type: single nucleotide variant.
Coding change: c.19G>A on transcript NM_006563.5 (MANE Select); coding-DNA position 19, G replaced by A.
Protein change: p.Ala7Thr; replaces alanine 7 with threonine.
Molecular consequence: missense variant.
Genome position (GRCh38, 1-based): chr19:12,887,122, C>T on the plus strand (G>A on the coding strand, the complement: KLF1 is on the minus strand). VCF-style: chr19-12887122-C-T. GRCh37 (hg19) VCF-style: chr19-12997936-C-T.
Other names: p.Ala7Thr; short protein forms A7T.
Identifiers: ClinVar variation 784830 (VCV000784830.10), dbSNP rs201164683, ClinGen allele CA9234139.